The following is an entry in ClinVar:

NM_017837.4(PIGV):c.455C>A (p.Ala152Asp)

Gene: PIGV (phosphatidylinositol glycan anchor biosynthesis class V; plus strand). Cytogenetic location: 1p36.11.
Variant type: single nucleotide variant.
Coding change: c.455C>A on transcript NM_017837.4 (MANE Select); coding-DNA position 455, C replaced by A.
Protein change: p.Ala152Asp; replaces alanine 152 with aspartic acid.
Molecular consequence: missense variant. On other transcripts: non-coding transcript variant (1), intron variant (3).
Genome position (GRCh38, 1-based): chr1:26,794,489, C>A. VCF-style: chr1-26794489-C-A. GRCh37 (hg19) VCF-style: chr1-27120980-C-A.
Other names: c.455C>A, p.Ala152Asp (NM_001202554.2, NM_001374478.1, NM_001374480.1 and 2 more transcripts); c.74C>A, p.Ala25Asp (NM_001374483.1); c.172+283C>A (NM_001374484.1, NM_001374485.1); c.79-3074C>A (NM_001374486.1); short protein forms A152D, A25D.
Identifiers: ClinVar variation 1311468 (VCV001311468.2), dbSNP rs773349099, ClinGen allele CA708060.

ClinVar aggregate classification (germline): Uncertain significance (1 of 4 stars; one submission).

Allele frequency attached by ClinVar (database versions not stated): gnomAD exomes below 0.00001; ExAC 0.00001; gnomAD 0.00001.
gnomAD v4.1: 9 of 1,614,110 alleles (0.00056%); highest among the groups gnomAD compares: Non-Finnish European, 0.00059%; no homozygotes.

Submission:

GeneDx
Classification: Uncertain significance. Last evaluated: 2019-09-06. Review status: criteria provided, single submitter. Criteria: GeneDx Variant Classification Process June 2021. Collection method: clinical testing. Allele origin: germline. Affected: yes.
Comment: Not observed at a significant frequency in large population cohorts (Lek et al., 2016); In silico analysis, which includes protein predictors and evolutionary conservation, supports a deleterious effect; Has not been previously published as pathogenic or benign to our knowledge